The following is an entry in ClinVar:

ClinVar aggregate classification (germline): Pathogenic (1 of 4 stars; one submission).

Conditions:
Familial cancer of breast. Also called: Hereditary breast cancer; BREAST CANCER, FAMILIAL; hereditary breast carcinoma. Identifiers: Orphanet 227535, MedGen C0346153, MONDO:0016419, OMIM 114480. Disease mechanism: loss of function.

Submission:

Myriad Genetics, Inc.
Classification: Pathogenic for Familial cancer of breast. Last evaluated: 2023-06-05. Review status: criteria provided, single submitter. Criteria: Myriad Autosomal Dominant, Autosomal Recessive and X-Linked Classification Criteria (2023). Collection method: clinical testing. Allele origin: unknown.
Comment: This variant is considered pathogenic. This variant creates a frameshift predicted to result in premature protein truncation.

NM_032043.3(BRIP1):c.1678_1682del (p.Asn560fs)

Gene: BRIP1 (BRCA1 interacting DNA helicase 1; minus strand). Cytogenetic location: 17q23.2.
Variant type: Deletion.
Coding change: c.1678_1682del on transcript NM_032043.3 (MANE Select); coding-DNA positions 1678 to 1682, 5 bases deleted (AATCA; older notation c.1678_1682delAATCA).
Protein change: p.Asn560fs; shifts the reading frame from asparagine 560.
Molecular consequence: frameshift variant.
Genome position (GRCh38, 1-based): chr17:61,780,952-61,780,956, TGATT deleted on the plus strand (AATCA on the coding strand, the reverse complement: BRIP1 is on the minus strand); deleting any 5 consecutive bases within chr17:61,780,952-61,780,958 gives the same sequence; the c. name uses the placement nearest the transcript's 3' end. VCF-style (leftmost placement, unchanged base first): chr17-61780951-CTGATT-C. GRCh37 (hg19) VCF-style: chr17-59858312-CTGATT-C.
Other names: short protein forms N560fs.
Identifiers: ClinVar variation 2583308 (VCV002583308.2), dbSNP rs2545030237, ClinGen allele CA2582342283.